The following is an entry in ClinVar:

NM_006087.4(TUBB4A):c.1092C>T (p.Ala364=)

Gene: TUBB4A (tubulin beta 4A class IVa; minus strand). Cytogenetic location: 19p13.3.
Variant type: single nucleotide variant.
Coding change: c.1092C>T on transcript NM_006087.4 (MANE Select); coding-DNA position 1092, C replaced by T.
Protein change: p.Ala364=; no amino-acid change (alanine 364 retained).
Molecular consequence: synonymous variant.
Genome position (GRCh38, 1-based): chr19:6,495,407, G>A on the plus strand (C>T on the coding strand, the complement: TUBB4A is on the minus strand). VCF-style: chr19-6495407-G-A. GRCh37 (hg19) VCF-style: chr19-6495418-G-A.
Other names: c.1092C>T (NM_006087.3); c.1245C>T, p.Ala415= (NM_001289123.2); c.1227C>T, p.Ala409= (NM_001289127.2); c.1092C>T, p.Ala364= (NM_001289129.2); c.876C>T, p.Ala292= (NM_001289130.2, NM_001289131.2).
Identifiers: ClinVar variation 1200742 (VCV001200742.20), dbSNP rs142838372, ClinGen allele CA9127272.
Genomic context (GRCh38, chr19:6,495,407, plus strand): 5'-CTGCTCGGAGATGCGCTTGAACAGCTCCTGGATGGCCGTGCTGTTGCCGATGAAGGTCGC[G>A]GCCATCTTCAGGCCGCGGGGCGGGATGTCGCACACGGCCGTCTTCACGTTGTTGGGGATC-3'
Protein context (NP_006078.2, residues 354-374): CDIPPRGLKM[Ala364=]ATFIGNSTAI

ClinVar aggregate classification (germline): Likely benign. Review status: criteria provided, multiple submitters, no conflicts (2 of 4 stars). 5 submissions from 5 submitters: Likely benign (4). 1 of the submissions does not count toward it. Last evaluated 2026-04-01.

Conditions:
TUBB4A-related disorder. Also called: TUBB4A-related condition.
Leukodystrophy, hypomyelinating, 6. Also called: LEUKODYSTROPHY, HYPOMYELINATING, WITH ATROPHY OF THE BASAL GANGLIA AND CEREBELLUM; TUBB4A-Associated Leukodystrophy; Hypomyelination with Atrophy of Basal Ganglia and Cerebellum (H-ABC). Identifiers: Orphanet 139441, MedGen C2676244, MONDO:0012905, OMIM 612438.

Allele frequency attached by ClinVar (database versions not stated): gnomAD 0.00005; ExAC 0.00007; gnomAD exomes 0.00007 and 0.00008; TOPMed 0.00008; ESP Exome Variant Server 0.00015.
gnomAD v4.1: 128 of 1,613,902 alleles (0.0079%); highest among the groups gnomAD compares: Middle Eastern, 0.017%; no homozygotes.

Submissions (5):

CeGaT Center for Human Genetics Tuebingen
Classification: Likely benign. Last evaluated: 2026-04-01. Review status: criteria provided, single submitter. Criteria: CeGaT Center For Human Genetics Tuebingen Variant Classification Criteria Version 2. Collection method: clinical testing. Allele origin: germline. Affected: yes. Observed: 2 variant alleles.
Comment: TUBB4A: BP4, BP7

Blueprint Genetics
Classification: Likely benign. Last evaluated: 2024-07-04. Review status: criteria provided, single submitter. Criteria: ACMG Guidelines, 2015. Collection method: clinical testing. Allele origin: germline.

Labcorp Genetics (formerly Invitae), Labcorp
Classification: Likely benign for Leukodystrophy, hypomyelinating, 6. Last evaluated: 2023-01-25. Review status: criteria provided, single submitter. Criteria: Invitae Variant Classification Sherloc (09022015). Collection method: clinical testing. Allele origin: germline.

GeneDx
Classification: Likely benign. Last evaluated: 2020-03-09. Review status: criteria provided, single submitter. Criteria: GeneDx Variant Classification Process June 2021. Collection method: clinical testing. Allele origin: germline. Affected: yes.
Comment: This variant is associated with the following publications: (PMID: 26318963)

PreventionGenetics, part of Exact Sciences
Classification: Likely benign for TUBB4A-related condition. Last evaluated: 2019-10-22. Review status: no assertion criteria provided. Collection method: clinical testing. Allele origin: germline. Not counted in ClinVar's aggregate classification.
Comment: This variant is classified as likely benign based on ACMG/AMP sequence variant interpretation guidelines (Richards et al. 2015 PMID: 25741868, with internal and published modifications).